The following is an entry in ClinVar:

NM_000277.3(PAH):c.1172G>C (p.Ser391Thr)

Gene: PAH (phenylalanine hydroxylase; minus strand). Cytogenetic location: 12q23.2.
Variant type: single nucleotide variant.
Coding change: c.1172G>C on transcript NM_000277.3 (MANE Select); coding-DNA position 1172, G replaced by C.
Protein change: p.Ser391Thr; replaces serine 391 with threonine.
Molecular consequence: missense variant.
Genome position (GRCh38, 1-based): chr12:102,843,673, C>G on the plus strand (G>C on the coding strand, the complement: PAH is on the minus strand). VCF-style: chr12-102843673-C-G. GRCh37 (hg19) VCF-style: chr12-103237451-C-G.
Other names: c.1172G>C, p.Ser391Thr (NM_001354304.2); short protein forms S391T.
Identifiers: ClinVar variation 225136 (VCV000225136.4), dbSNP rs869312997, ClinGen allele CA357240.

ClinVar aggregate classification (germline): Likely pathogenic. Review status: reviewed by expert panel (3 of 4 stars). 3 submissions from 3 submitters: Likely pathogenic (1). 2 of the submissions do not count toward it. Last evaluated 2020-03-07.

Conditions:
Phenylketonuria (PKU). Also called: Phenylketonurias; FOLLING DISEASE; OLIGOPHRENIA PHENYLPYRUVICA; Phenylketonuria (PKU). Identifiers: Orphanet 716, MedGen C0031485, MONDO:0009861, OMIM 261600. Disease mechanism: loss of function.

Allele frequency attached by ClinVar (database versions not stated): gnomAD exomes below 0.00001.
gnomAD v4.1: 1 of 1,613,794 alleles (0.000062%); highest among the groups gnomAD compares: East Asian, 0.0022%; no homozygotes.

Submissions (3):

ClinGen PAH Variant Curation Expert Panel
Classification: Likely pathogenic for Phenylketonuria. Last evaluated: 2020-03-07. Review status: reviewed by expert panel. Criteria: ClinGen PAH ACMG Specifications v1. Collection method: curation. Allele origin: germline. Inheritance: Autosomal recessive inheritance.
Comment: The c.1172G>C (p.Ser391Thr) variant in PAH has been reported in at least one individual with MHP (BH4 deficiency excluded, PMID: 30747360, 29499199) in trans with pathogenic variant p.Val399= (PMID: 29316886). This variant is absent in population databases. Computational evidence is conflicting. In summary, this variant meets criteria to be classified as likely pathogenic for PAH. PAH-specific ACMG/AMP criteria applied: PP4_Moderate, PM2, PM3.

Juno Genomics, Hangzhou Juno Genomics, Inc
Classification: Likely pathogenic for Phenylketonuria. Review status: criteria provided, single submitter. Criteria: ACMG Guidelines, 2015. Collection method: clinical testing. Allele origin: germline. Not counted in ClinVar's aggregate classification.
Comment: Absent from controls (or at extremely low frequency if recessive) in Genome Aggregation Database.;Multiple lines of computational evidence support a deleterious effect on the gene or gene product.;For recessive disorders, detected in trans with a pathogenic variant.;Patient's phenotype or family history is highly specific for a disease with a single genetic etiology.

Department of Prenatal Diagnosis,  Women’s Hospital of Nanjing Medical University, Nanjing Women and Children’s Healthcare Hospital
Classification: Likely pathogenic for Phenylketonuria. Last evaluated: 2013-10-01. Review status: no assertion criteria provided. Collection method: clinical testing. Allele origin: maternal. Affected: yes. Observed: 1 variant allele, 1 heterozygote, 1 compound heterozygote. Not counted in ClinVar's aggregate classification.
Comment: This variant was reported to be a novel likely pathogenic mutation for the first time by us.

Literature cited by the submitters: PubMed 29316886 (cited by ClinGen PAH Variant Curation Expert Panel); PubMed 25894915 (cited by ClinGen PAH Variant Curation Expert Panel); PubMed 30747360 (cited by ClinGen PAH Variant Curation Expert Panel); PubMed 29499199 (cited by ClinGen PAH Variant Curation Expert Panel); PubMed 24078561 (cited by Department of Prenatal Diagnosis,  Women’s Hospital of Nanjing Medical University, Nanjing Women and Children’s Healthcare Hospital).